The following is an entry in ClinVar:

NM_002617.4(PEX10):c.475dup (p.Ala159fs)

Gene: PEX10 (peroxisomal biogenesis factor 10; minus strand). Cytogenetic location: 1p36.32.
Variant type: Duplication.
Coding change: c.475dup on transcript NM_002617.4 (MANE Select); coding-DNA position 475, one base duplicated (G; older notation c.475dupG).
Protein change: p.Ala159fs; shifts the reading frame from alanine 159.
Molecular consequence: frameshift variant. On other transcripts: non-coding transcript variant (1).
Genome position (GRCh38, 1-based): chr1:2,408,577, C duplicated on the plus strand (G on the coding strand, the reverse complement: PEX10 is on the minus strand); the first of 3 consecutive C bases (chr1:2,408,577-2,408,579); duplicating any one gives the same sequence. VCF-style (leftmost placement, unchanged base first): chr1-2408576-G-GC. GRCh37 (hg19) VCF-style: chr1-2340015-G-GC.
Other names: c.475dup, p.Ala159fs (NM_001374425.1, NM_153818.2); c.43dup, p.Ala15fs (NM_001374426.1, NM_001374427.1); short protein forms A159fs, A15fs.
Identifiers: ClinVar variation 5012179 (VCV005012179.1).

ClinVar aggregate classification (germline): Pathogenic (1 of 4 stars; one submission).

Conditions:
Peroxisome biogenesis disorder. Identifiers: Orphanet 79189, MedGen C1832200, MONDO:0019234. Disease mechanism: loss of function.

Submission:

Myriad Genetics, Inc.
Classification: Pathogenic for Peroxisome biogenesis disorder. Last evaluated: 2023-09-27. Review status: criteria provided, single submitter. Criteria: Myriad Autosomal Dominant, Autosomal Recessive and X-Linked Classification Criteria (2023). Collection method: clinical testing. Allele origin: unknown.
Comment: NM_153818.1(PEX10):c.475dupG(A159Gfs*78) is expected to be pathogenic in the context of peroxisome biogenesis disorder type 6. This variant is predicted to lead to an abnormal or absent protein product due to the creation of a premature termination codon in PEX10, a gene where loss-of-function variants are known to be pathogenic. Please note: this variant was assessed in the context of healthy population screening.